The following is an entry in ClinVar:

NM_006904.7(PRKDC):c.7925A>G (p.His2642Arg)

Gene: PRKDC (protein kinase, DNA-activated, catalytic subunit; minus strand). Cytogenetic location: 8q11.21.
Variant type: single nucleotide variant.
Coding change: c.7925A>G on transcript NM_006904.7 (MANE Select); coding-DNA position 7925, A replaced by G.
Protein change: p.His2642Arg; replaces histidine 2642 with arginine.
Molecular consequence: missense variant.
Genome position (GRCh38, 1-based): chr8:47,836,364, T>C on the plus strand (A>G on the coding strand, the complement: PRKDC is on the minus strand). VCF-style: chr8-47836364-T-C. GRCh37 (hg19) VCF-style: chr8-48748925-T-C.
Other names: c.7925A>G, p.His2642Arg (NM_001081640.2); short protein forms H2642R.
Identifiers: ClinVar variation 937256 (VCV000937256.7), dbSNP rs929022606, ClinGen allele CA371150465.

ClinVar aggregate classification (germline): Uncertain significance (1 of 4 stars; one submission).

Conditions:
Severe combined immunodeficiency due to DNA-PKcs deficiency. Also called: IMMUNODEFICIENCY 26 WITH NEUROLOGIC ABNORMALITIES; Immunodeficiency 26 with or without neurologic abnormalities. Identifiers: Orphanet 317425, MedGen C4014833, MONDO:0014423, OMIM 615966.

Allele frequency attached by ClinVar (database versions not stated): gnomAD 0.00001; TOPMed 0.00002.
gnomAD v4.1: 11 of 1,602,136 alleles (0.00069%); highest among the groups gnomAD compares: Non-Finnish European, 0.00085%; no homozygotes.

Submission:

Labcorp Genetics (formerly Invitae), Labcorp
Classification: Uncertain significance for Severe combined immunodeficiency due to DNA-PKcs deficiency. Last evaluated: 2022-07-25. Review status: criteria provided, single submitter. Criteria: Invitae Variant Classification Sherloc (09022015). Collection method: clinical testing. Allele origin: germline.
Comment: This sequence change replaces histidine, which is basic and polar, with arginine, which is basic and polar, at codon 2642 of the PRKDC protein (p.His2642Arg). This variant is not present in population databases (gnomAD no frequency). This variant has not been reported in the literature in individuals affected with PRKDC-related conditions. ClinVar contains an entry for this variant (Variation ID: 937256). In summary, the available evidence is currently insufficient to determine the role of this variant in disease. Therefore, it has been classified as a Variant of Uncertain Significance.